The following is an entry in ClinVar:

ClinVar aggregate classification (germline): Likely benign. Review status: criteria provided, multiple submitters, no conflicts (2 of 4 stars). 2 submissions from 2 submitters: Likely benign (2). Last evaluated 2025-03-17.

Conditions:
MYPN-related disorder. Also called: MYPN-related condition.
Dilated cardiomyopathy 1KK (CMD1KK). Identifiers: Orphanet 154, Orphanet 75249, MedGen C3714995, MONDO:0014100, OMIM 615248.

Allele frequency attached by ClinVar (database versions not stated): gnomAD exomes 0.00001 and 0.00002; ExAC 0.00003; gnomAD 0.00006; TOPMed 0.00008.
gnomAD v4.1: 15 of 1,582,436 alleles (0.00095%); highest among the groups gnomAD compares: African/African-American, 0.021%; no homozygotes.

Submissions (2):

PreventionGenetics, part of Exact Sciences
Classification: Likely benign for MYPN-related condition. Last evaluated: 2025-03-17. Review status: criteria provided, single submitter. Criteria: ACMG Guidelines, 2015. Collection method: clinical testing. Allele origin: germline.
Comment: This variant is classified as likely benign based on ACMG/AMP sequence variant interpretation guidelines (Richards et al. 2015 PMID: 25741868, with internal and published modifications).

Labcorp Genetics (formerly Invitae), Labcorp
Classification: Likely benign for Dilated cardiomyopathy 1KK. Last evaluated: 2024-07-16. Review status: criteria provided, single submitter. Criteria: Invitae Variant Classification Sherloc (09022015). Collection method: clinical testing. Allele origin: germline.

NM_032578.4(MYPN):c.3493+10G>T

Gene: MYPN (myopalladin; plus strand). Cytogenetic location: 10q21.3.
Variant type: single nucleotide variant.
Coding change: c.3493+10G>T on transcript NM_032578.4 (MANE Select); 10 bases into the intron after coding-DNA position 3493, G replaced by T.
Molecular consequence: intron variant.
Genome position (GRCh38, 1-based): chr10:68,199,585, G>T. VCF-style: chr10-68199585-G-T. GRCh37 (hg19) VCF-style: chr10-69959342-G-T.
Other names: c.3493+10G>T (NM_032578.3, NM_001256267.2); c.2611+10G>T (NM_001256268.2).
Identifiers: ClinVar variation 1097448 (VCV001097448.10), dbSNP rs780545084, ClinGen allele CA5523051.
Genomic context (GRCh38, chr10:68,199,585, plus strand): 5'-CTACCAACAAAACCGGGCAGAATTCTTTTAGTCTGGAGCTCTCTGTAGTAGGTAAGGTTT[G>T]CTGCTGGGACCCCTAAACACAACTTCCTCCAAAGTCATTACCCAAAGAGGCAGAGCCTCT-3'